The following is an entry in ClinVar:

NM_004304.5(ALK):c.2899A>G (p.Thr967Ala)

Gene: ALK (ALK receptor tyrosine kinase; minus strand). Cytogenetic location: 2p23.2.
Variant type: single nucleotide variant.
Coding change: c.2899A>G on transcript NM_004304.5 (MANE Select); coding-DNA position 2899, A replaced by G.
Protein change: p.Thr967Ala; replaces threonine 967 with alanine.
Molecular consequence: missense variant.
Genome position (GRCh38, 1-based): chr2:29,227,589, T>C on the plus strand (A>G on the coding strand, the complement: ALK is on the minus strand). VCF-style: chr2-29227589-T-C. GRCh37 (hg19) VCF-style: chr2-29450455-T-C.
Other names: short protein forms T967A.
Identifiers: ClinVar variation 3854191 (VCV003854191.1).

ClinVar aggregate classification (germline): Uncertain significance (1 of 4 stars; one submission).

Conditions:
Hereditary cancer-predisposing syndrome. Also called: Hereditary neoplastic syndrome; Neoplastic Syndromes, Hereditary; Tumor predisposition; Hereditary Cancer Syndrome. Identifiers: Orphanet 140162, MedGen C0027672, MeSH D009386, MONDO:0015356.

Submission:

Ambry Genetics
Classification: Uncertain significance for Hereditary cancer-predisposing syndrome. Last evaluated: 2024-12-22. Review status: criteria provided, single submitter. Criteria: Ambry Variant Classification Scheme 2023. Collection method: clinical testing. Allele origin: germline.
Comment: The p.T967A variant (also known as c.2899A>G), located in coding exon 17 of the ALK gene, results from an A to G substitution at nucleotide position 2899. The threonine at codon 967 is replaced by alanine, an amino acid with similar properties. This amino acid position is conserved. In addition, this alteration is predicted to be tolerated by in silico analysis. Based on the available evidence, the clinical significance of this variant remains unclear.